The following is an entry in ClinVar:

NM_001101362.3(KBTBD13):c.146G>T (p.Arg49Leu)

Gene: KBTBD13 (kelch repeat and BTB domain containing 13; plus strand). Cytogenetic location: 15q22.31.
Variant type: single nucleotide variant.
Coding change: c.146G>T on transcript NM_001101362.3 (MANE Select); coding-DNA position 146, G replaced by T.
Protein change: p.Arg49Leu; replaces arginine 49 with leucine.
Molecular consequence: missense variant.
Genome position (GRCh38, 1-based): chr15:65,076,961, G>T. VCF-style: chr15-65076961-G-T. GRCh37 (hg19) VCF-style: chr15-65369299-G-T.
Other names: short protein forms R49L.
Identifiers: ClinVar variation 533001 (VCV000533001.8), dbSNP rs1027726798, ClinGen allele CA271502901.
Genomic context (GRCh38, chr15:65,076,961, plus strand): 5'-GTGGCTTCTTCCGAGGCCTCTTCCGCTCCGGCATGCGGGAGACCCGCGCAGCAGAGGTGC[G>T]CCTGGGCGTTCTGAGCGCGGGAGGTTTCCGCGCCACGCTGCAGGTGCTGCGCGGCGACCG-3'
Protein context (NP_001094832.1, residues 39-59): GMRETRAAEV[Arg49Leu]LGVLSAGGFR

ClinVar aggregate classification (germline): Uncertain significance (1 of 4 stars; one submission).

Conditions:
Nemaline myopathy 6 (NEM6). Also called: Nemaline myopathy 6, autosomal dominant. Identifiers: Orphanet 171439, MedGen C1836472, MONDO:0012237, OMIM 609273.

Allele frequency attached by ClinVar (database versions not stated): TOPMed 0.00003.
gnomAD v4.1: 162 of 1,549,228 alleles (0.01%); highest among the groups gnomAD compares: Non-Finnish European, 0.014%; no homozygotes.

Submission:

Labcorp Genetics (formerly Invitae), Labcorp
Classification: Uncertain significance for Nemaline myopathy 6. Last evaluated: 2025-08-18. Review status: criteria provided, single submitter. Criteria: Invitae Variant Classification Sherloc (09022015). Collection method: clinical testing. Allele origin: germline.
Comment: This sequence change replaces arginine, which is basic and polar, with leucine, which is neutral and non-polar, at codon 49 of the KBTBD13 protein (p.Arg49Leu). The frequency data for this variant in the population databases is considered unreliable, as metrics indicate poor data quality at this position in the gnomAD database. This variant has not been reported in the literature in individuals affected with KBTBD13-related conditions. ClinVar contains an entry for this variant (Variation ID: 533001). Invitae Evidence Modeling of protein sequence and biophysical properties (such as structural, functional, and spatial information, amino acid conservation, physicochemical variation, residue mobility, and thermodynamic stability) indicates that this missense variant is not expected to disrupt KBTBD13 protein function with a negative predictive value of 80%. In summary, the available evidence is currently insufficient to determine the role of this variant in disease. Therefore, it has been classified as a Variant of Uncertain Significance.